The following is an entry in ClinVar:

NM_001378969.1(KCND3):c.388G>A (p.Asp130Asn)

Gene: KCND3 (potassium voltage-gated channel subfamily D member 3; minus strand). Cytogenetic location: 1p13.2.
Variant type: single nucleotide variant.
Coding change: c.388G>A on transcript NM_001378969.1 (MANE Select); coding-DNA position 388, G replaced by A.
Protein change: p.Asp130Asn; replaces aspartic acid 130 with asparagine.
Molecular consequence: missense variant.
Genome position (GRCh38, 1-based): chr1:111,982,339, C>T on the plus strand (G>A on the coding strand, the complement: KCND3 is on the minus strand). VCF-style: chr1-111982339-C-T. GRCh37 (hg19) VCF-style: chr1-112524961-C-T.
Other names: c.388G>A, p.Asp130Asn (NM_001378970.1, NM_004980.5, NM_172198.3); short protein forms D130N.
Identifiers: ClinVar variation 1735884 (VCV001735884.2), dbSNP rs774844324, ClinGen allele CA341822264.

ClinVar aggregate classification (germline): Uncertain significance (1 of 4 stars; one submission).

Conditions:
Cardiovascular phenotype. Identifiers: MedGen CN230736.

Allele frequency attached by ClinVar (database versions not stated): gnomAD 0.00001; TOPMed 0.00001.
gnomAD v4.1: 1 of 1,614,052 alleles (0.000062%); highest among the groups gnomAD compares: Non-Finnish European, 0.000085%; no homozygotes.

Submission:

Ambry Genetics
Classification: Uncertain significance for Cardiovascular phenotype. Last evaluated: 2022-02-20. Review status: criteria provided, single submitter. Criteria: Ambry Variant Classification Scheme 2023. Collection method: clinical testing. Allele origin: germline.
Comment: The p.D130N variant (also known as c.388G>A), located in coding exon 1 of the KCND3 gene, results from a G to A substitution at nucleotide position 388. The aspartic acid at codon 130 is replaced by asparagine, an amino acid with highly similar properties. This amino acid position is conserved. In addition, this alteration is predicted to be tolerated by in silico analysis. Since supporting evidence is limited at this time, the clinical significance of this alteration remains unclear.